The following is an entry in ClinVar:

ClinVar aggregate classification (germline): Uncertain significance (1 of 4 stars; one submission).

Conditions:
Spastic paraplegia. Identifiers: MedGen C0037772, HP:0001258.

Allele frequency attached by ClinVar (database versions not stated): gnomAD exomes below 0.00001 and 0.00001; ExAC 0.00001; TOPMed 0.00002; gnomAD 0.00003.
gnomAD v4.1: 5 of 1,613,894 alleles (0.00031%); highest among the groups gnomAD compares: African/African-American, 0.0067%; no homozygotes.

Submissions (2):

Labcorp Genetics (formerly Invitae), Labcorp
Classification: Uncertain significance for Spastic paraplegia. Last evaluated: 2025-03-05. Review status: criteria provided, single submitter. Criteria: Invitae Variant Classification Sherloc (09022015). Collection method: clinical testing. Allele origin: germline.
Comment: This sequence change replaces threonine, which is neutral and polar, with serine, which is neutral and polar, at codon 12 of the VAMP1 protein (p.Thr12Ser). This variant is present in population databases (rs758185488, gnomAD 0.01%). This variant has not been reported in the literature in individuals affected with VAMP1-related conditions. ClinVar contains an entry for this variant (Variation ID: 1007467). An algorithm developed to predict the effect of missense changes on protein structure and function (PolyPhen-2) suggests that this variant is likely to be tolerated. In summary, the available evidence is currently insufficient to determine the role of this variant in disease. Therefore, it has been classified as a Variant of Uncertain Significance.

Dr. Peter K. Rogan Lab, Western University
No classification provided (evidence only). Condition: Uterine corpus endometrial carcinoma. Review status: no classification provided. Collection method: in vitro. Allele origin: not applicable. Functional consequence: retained intron. Not counted in ClinVar's aggregate classification.

NM_014231.5(VAMP1):c.34A>T (p.Thr12Ser)

Genes: TAPBPL (TAP binding protein like; plus strand), VAMP1 (vesicle associated membrane protein 1; minus strand). Cytogenetic location: 12p13.31.
Variant type: single nucleotide variant.
Coding change: c.34A>T on transcript NM_014231.5 (MANE Select); coding-DNA position 34, A replaced by T.
Protein change: p.Thr12Ser; replaces threonine 12 with serine.
Molecular consequence: missense variant.
Genome position (GRCh38, 1-based): chr12:6,466,320, T>A on the plus strand (A>T on the coding strand, the complement: VAMP1 is on the minus strand). VCF-style: chr12-6466320-T-A. GRCh37 (hg19) VCF-style: chr12-6575486-T-A.
Other names: c.34A>T, p.Thr12Ser (NM_001297438.2, NM_016830.4, NM_199245.3); short protein forms T12S.
Identifiers: ClinVar variation 1007467 (VCV001007467.6), dbSNP rs758185488, ClinGen allele CA6407726.
Genomic context (GRCh38, chr12:6,466,320, plus strand): 5'-TGTTACTGGTCATGTTAGGAGGAGGGCCAGGGGGACCCCCACCTGGGGCAGTCCCTTCTG[T>A]CCCTTCAGCAGGTGGCTGAGCTGGAGCAGACCTGTGGAAAGACATGTGCAGAGTACACAA-3'
Protein context (NP_055046.1, residues 2-22): SAPAQPPAEG[Thr12Ser]EGTAPGGGPP